The following is an entry in ClinVar:

ClinVar aggregate classification (germline): Conflicting classifications of pathogenicity. Review status: criteria provided, conflicting classifications (1 of 4 stars). 10 submissions from 10 submitters: Uncertain significance (8); Benign (1); Likely benign (1). Last evaluated 2026-01-27.

Conditions:
Inborn genetic diseases. Identifiers: MedGen C0950123, MeSH D030342.
Deafness-lymphedema-leukemia syndrome. Also called: Emberger syndrome; Lymphedema, primary, with myelodysplasia. Identifiers: Orphanet 3226, MedGen C3279664, MONDO:0013540, OMIM 614038.
Monocytopenia with susceptibility to infections. Also called: MONOCYTOPENIA AND MYCOBACTERIAL INFECTION SYNDROME; MONOCYTOPENIA WITH SUSCEPTIBILITY TO MYCOBACTERIAL, FUNGAL, AND PAPILLOMAVIRUS INFECTIONS AND MYELODYSPLASIA; COMBINED IMMUNODEFICIENCY WITH SUSCEPTIBILITY TO MYCOBACTERIAL, VIRAL, AND FUNGAL INFECTIONS; Dendritic cell, monocyte, B lymphocyte, and natural killer lymphocyte deficiency; IMMUNODEFICIENCY 21; GATA2 DEFICIENCY. Identifiers: Orphanet 228423, MedGen C3280030, MONDO:0013607, OMIM 614172.
Myelodysplastic syndrome (MDS). Also called: MYELODYSPLASTIC SYNDROME, SUSCEPTIBILITY TO; Myelodysplastic syndrome, somatic; Myelodysplastic syndromes. Identifiers: Orphanet 52688, MedGen C3463824, MeSH D009190, MONDO:0018881, OMIM 614286.
Acute myeloid leukemia (AML). Also called: Leukemia, acute myeloid, somatic; Leukemia, acute myelogenous, somatic; Acute myeloid leukemia, adult; AML adult; Acute non-lymphocytic leukemia; Acute granulocytic leukemia. Identifiers: Orphanet 519, MedGen C0023467, MeSH D015470, MONDO:0018874, OMIM 601626, HP:0004808. Disease mechanism: Constitutively activated FLT3.
GATA2 deficiency with susceptibility to MDS/AML. Identifiers: MedGen CN300066, MONDO:0042982.

Allele frequency attached by ClinVar (database versions not stated): gnomAD 0.00003; ExAC 0.00005; gnomAD exomes 0.00008; TOPMed 0.00014; 1000 Genomes Project 30x 0.00016; 1000 Genomes Project 0.00020.
gnomAD v4.1: 28 of 1,614,238 alleles (0.0017%); highest among the groups gnomAD compares: East Asian, 0.051%; no homozygotes.

Submissions (10):

Labcorp Genetics (formerly Invitae), Labcorp
Classification: Likely benign for Monocytopenia with susceptibility to infections; Deafness-lymphedema-leukemia syndrome. Last evaluated: 2026-01-27. Review status: criteria provided, single submitter. Criteria: Invitae Variant Classification Sherloc (09022015). Collection method: clinical testing. Allele origin: germline.

Mayo Clinic Laboratories, Mayo Clinic
Classification: Uncertain significance. Last evaluated: 2025-10-23. Review status: criteria provided, single submitter. Criteria: ACMG Guidelines, 2015. Collection method: clinical testing. Allele origin: germline. Observed: 1 variant allele.
Comment: BS1

ARUP Laboratories, Molecular Genetics and Genomics, ARUP Laboratories
Classification: Uncertain significance. Last evaluated: 2025-01-16. Review status: criteria provided, single submitter. Criteria: ARUP Molecular Germline Variant Investigation Process 2024. Collection method: clinical testing. Allele origin: germline.
Comment: The GATA2 c.1286G>C; p.Ser429Thr variant (rs201155045, ClinVar Variation ID 404078) is reported in the literature in one individual with refractory cytopenia of childhood (An 2019). This variant is found predominantly in the East Asian population with an allele frequency of 0.1% (21/19954 alleles) in the Genome Aggregation Database (v2.1.1). Computational analyses are uncertain whether this variant is neutral or deleterious (REVEL: 0.512). While the high population frequency suggests that this is likely a benign variant, given the lack of clinical and functional data, the significance of this variant is uncertain at this time. References: An WB et al. [Clinical and molecular characteristics of GATA2 related pediatric primary myelodysplastic syndrome]. Zhonghua Xue Ye Xue Za Zhi. 2019 Jun 14. PMID: 31340620.

Ambry Genetics
Classification: Benign for Inborn genetic diseases. Last evaluated: 2024-08-20. Review status: criteria provided, single submitter. Criteria: Ambry Variant Classification Scheme 2023. Collection method: clinical testing. Allele origin: germline.

GeneDx
Classification: Uncertain significance. Last evaluated: 2023-12-07. Review status: criteria provided, single submitter. Criteria: GeneDx Variant Classification Process June 2021. Collection method: clinical testing. Allele origin: germline. Affected: yes.
Comment: In silico analysis supports that this missense variant does not alter protein structure/function; Observed in an adult with acute myeloid leukemia; however, it is unclear if the variant was germline or somatic (PMID: 30190467); This variant is associated with the following publications: (PMID: 31340620, 30190467)

Baylor Genetics
Classification: Uncertain significance for Acute myeloid leukemia. Last evaluated: 2023-09-08. Review status: criteria provided, single submitter. Criteria: ACMG Guidelines, 2015. Collection method: clinical testing. Allele origin: unknown.

Molecular Pathology Research Laboratory, SA Pathology
Classification: Uncertain significance for GATA2 deficiency with susceptibility to MDS/AML; Deafness-lymphedema-leukemia syndrome. Last evaluated: 2021-07-06. Review status: criteria provided, single submitter. Criteria: ACMG Guidelines, 2015. Collection method: curation. Allele origin: unknown. Inheritance: Autosomal dominant inheritance. Affected: yes. Observed: 1 variant allele.
Comment: No criteria satisfied

Fulgent Genetics
Classification: Uncertain significance for Acute myeloid leukemia; Deafness-lymphedema-leukemia syndrome; Monocytopenia with susceptibility to infections; Myelodysplastic syndrome. Last evaluated: 2018-10-31. Review status: criteria provided, single submitter. Criteria: ACMG Guidelines, 2015. Collection method: clinical testing. Allele origin: unknown.

Illumina Laboratory Services, Illumina
Classification: Uncertain significance for Deafness-lymphedema-leukemia syndrome. Last evaluated: 2018-04-20. Review status: criteria provided, single submitter. Criteria: ICSL Variant Classification Criteria 13 December 2019. Collection method: clinical testing. Allele origin: germline.

Genetic Services Laboratory, University of Chicago
Classification: Uncertain significance. Last evaluated: 2017-04-17. Review status: criteria provided, single submitter. Criteria: ACMG Guidelines, 2015. Collection method: clinical testing. Allele origin: germline. Affected: no.

Literature cited by the submitters: PubMed 31340620 (cited by Mayo Clinic Laboratories, Mayo Clinic and Molecular Pathology Research Laboratory, SA Pathology).

NM_032638.5(GATA2):c.1286G>C (p.Ser429Thr)

Gene: GATA2 (GATA binding protein 2; minus strand). Cytogenetic location: 3q21.3.
Variant type: single nucleotide variant.
Coding change: c.1286G>C on transcript NM_032638.5 (MANE Select); coding-DNA position 1286, G replaced by C.
Protein change: p.Ser429Thr; replaces serine 429 with threonine.
Molecular consequence: missense variant.
Genome position (GRCh38, 1-based): chr3:128,481,176, C>G on the plus strand (G>C on the coding strand, the complement: GATA2 is on the minus strand). VCF-style: chr3-128481176-C-G. GRCh37 (hg19) VCF-style: chr3-128200019-C-G.
Other names: p.Ser429Thr; c.1286G>C, p.Ser429Thr (NM_001145661.2); c.1244G>C, p.Ser415Thr (NM_001145662.1); short protein forms S429T, S415T.
Identifiers: ClinVar variation 404078 (VCV000404078.27), dbSNP rs201155045, ClinGen allele CA2599808.